The following is an entry in ClinVar:

NM_024301.5(FKRP):c.199G>A (p.Val67Ile)

Gene: FKRP (fukutin related protein; plus strand). Cytogenetic location: 19q13.32.
Variant type: single nucleotide variant.
Coding change: c.199G>A on transcript NM_024301.5 (MANE Select); coding-DNA position 199, G replaced by A.
Protein change: p.Val67Ile; replaces valine 67 with isoleucine.
Molecular consequence: missense variant.
Genome position (GRCh38, 1-based): chr19:46,755,649, G>A. VCF-style: chr19-46755649-G-A. GRCh37 (hg19) VCF-style: chr19-47258906-G-A.
Other names: c.199G>A, p.Val67Ile (NM_001039885.3); short protein forms V67I.
Identifiers: ClinVar variation 4025259 (VCV004025259.1).

ClinVar aggregate classification (germline): Uncertain significance (1 of 4 stars; one submission).

Conditions:
Cardiovascular phenotype. Identifiers: MedGen CN230736.

Submission:

Ambry Genetics
Classification: Uncertain significance for Cardiovascular phenotype. Last evaluated: 2025-06-10. Review status: criteria provided, single submitter. Criteria: Ambry Variant Classification Scheme 2023. Collection method: clinical testing. Allele origin: germline.
Comment: The p.V67I variant (also known as c.199G>A), located in coding exon 1 of the FKRP gene, results from a G to A substitution at nucleotide position 199. The valine at codon 67 is replaced by isoleucine, an amino acid with highly similar properties. This amino acid position is conserved. In addition, the in silico prediction for this alteration is inconclusive. Based on the available evidence, the clinical significance of this variant remains unclear.